The following is an entry in ClinVar:

ClinVar aggregate classification (germline): Uncertain significance (1 of 4 stars; one submission).

Conditions:
Gastrointestinal stromal tumor. Also called: Gastrointestinal stroma tumor; Gastrointestinal stromal tumor, somatic. Identifiers: Orphanet 44890, MedGen C0238198, MeSH D046152, MONDO:0011719, OMIM 606764, HP:0100723.

Submission:

Labcorp Genetics (formerly Invitae), Labcorp
Classification: Uncertain significance for Gastrointestinal stromal tumor. Last evaluated: 2022-01-03. Review status: criteria provided, single submitter. Criteria: Invitae Variant Classification Sherloc (09022015). Collection method: clinical testing. Allele origin: germline.
Comment: Algorithms developed to predict the effect of missense changes on protein structure and function are either unavailable or do not agree on the potential impact of this missense change (SIFT: "Tolerated"; PolyPhen-2: "Probably Damaging"; Align-GVGD: "Class C0"). In summary, the available evidence is currently insufficient to determine the role of this variant in disease. Therefore, it has been classified as a Variant of Uncertain Significance. This variant has not been reported in the literature in individuals affected with PDGFRA-related conditions. This sequence change replaces serine, which is neutral and polar, with glycine, which is neutral and non-polar, at codon 854 of the PDGFRA protein (p.Ser854Gly). This variant is not present in population databases (gnomAD no frequency).

NM_006206.6(PDGFRA):c.2560A>G (p.Ser854Gly)

Gene: PDGFRA (platelet derived growth factor receptor alpha; plus strand). Cytogenetic location: 4q12.
Variant type: single nucleotide variant.
Coding change: c.2560A>G on transcript NM_006206.6 (MANE Select); coding-DNA position 2560, A replaced by G.
Protein change: p.Ser854Gly; replaces serine 854 with glycine.
Molecular consequence: missense variant.
Genome position (GRCh38, 1-based): chr4:54,285,961, A>G. VCF-style: chr4-54285961-A-G. GRCh37 (hg19) VCF-style: chr4-55152128-A-G.
Other names: c.2635A>G, p.Ser879Gly (NM_001347828.2); c.2560A>G, p.Ser854Gly (NM_001347829.2); c.2599A>G, p.Ser867Gly (NM_001347830.2); short protein forms S879G, S854G, S867G.
Identifiers: ClinVar variation 2073064 (VCV002073064.4), dbSNP rs2110338443, ClinGen allele CA356895106.